The following is an entry in ClinVar:

ClinVar aggregate classification (germline): Uncertain significance (1 of 4 stars; one submission).

Allele frequency attached by ClinVar (database versions not stated): gnomAD exomes below 0.00001; gnomAD 0.00001; TOPMed 0.00001.
gnomAD v4.1: 2 of 1,613,542 alleles (0.00012%); highest among the groups gnomAD compares: East Asian, 0.0022%; no homozygotes.

Submission:

Labcorp Genetics (formerly Invitae), Labcorp
Classification: Uncertain significance. Last evaluated: 2022-09-01. Review status: criteria provided, single submitter. Criteria: Invitae Variant Classification Sherloc (09022015). Collection method: clinical testing. Allele origin: germline.
Comment: In summary, the available evidence is currently insufficient to determine the role of this variant in disease. Therefore, it has been classified as a Variant of Uncertain Significance. Algorithms developed to predict the effect of sequence changes on RNA splicing suggest that this variant may create or strengthen a splice site. Algorithms developed to predict the effect of missense changes on protein structure and function (SIFT, PolyPhen-2, Align-GVGD) all suggest that this variant is likely to be disruptive. ClinVar contains an entry for this variant (Variation ID: 1515111). This variant has not been reported in the literature in individuals affected with EFEMP1-related conditions. This variant is present in population databases (no rsID available, gnomAD 0.0009%). This sequence change replaces glycine, which is neutral and non-polar, with serine, which is neutral and polar, at codon 356 of the EFEMP1 protein (p.Gly356Ser).

NM_001039348.3(EFEMP1):c.1066G>A (p.Gly356Ser)

Gene: EFEMP1 (EGF-like fibulin extracellular matrix protein 1; minus strand). Cytogenetic location: 2p16.1.
Variant type: single nucleotide variant.
Coding change: c.1066G>A on transcript NM_001039348.3 (MANE Select); coding-DNA position 1066, G replaced by A.
Protein change: p.Gly356Ser; replaces glycine 356 with serine.
Molecular consequence: missense variant.
Genome position (GRCh38, 1-based): chr2:55,871,058, C>T on the plus strand (G>A on the coding strand, the complement: EFEMP1 is on the minus strand). VCF-style: chr2-55871058-C-T. GRCh37 (hg19) VCF-style: chr2-56098193-C-T.
Other names: c.1066G>A, p.Gly356Ser (NM_001039349.3); short protein forms G356S.
Identifiers: ClinVar variation 1515111 (VCV001515111.8), dbSNP rs1055074015, ClinGen allele CA48123192.